The following is an entry in ClinVar:

ClinVar aggregate classification (germline): Uncertain significance. Review status: criteria provided, multiple submitters, no conflicts (2 of 4 stars). 2 submissions from 2 submitters: Uncertain significance (2). Last evaluated 2025-03-20.

Allele frequency attached by ClinVar (database versions not stated): gnomAD 0.00001; ExAC 0.00002; TOPMed 0.00002; gnomAD exomes 0.00004; ESP Exome Variant Server 0.00008.

Submissions (2):

Labcorp Genetics (formerly Invitae), Labcorp
Classification: Uncertain significance. Last evaluated: 2025-03-20. Review status: criteria provided, single submitter. Criteria: Invitae Variant Classification Sherloc (09022015). Collection method: clinical testing. Allele origin: germline.
Comment: This sequence change replaces asparagine, which is neutral and polar, with serine, which is neutral and polar, at codon 110 of the KIF20A protein (p.Asn110Ser). This variant is present in population databases (rs377492009, gnomAD 0.004%). This variant has not been reported in the literature in individuals affected with KIF20A-related conditions. ClinVar contains an entry for this variant (Variation ID: 2712429). An algorithm developed to predict the effect of missense changes on protein structure and function outputs the following: PolyPhen-2: "Benign". The serine amino acid residue is found in multiple mammalian species, which suggests that this missense change does not adversely affect protein function. In summary, the available evidence is currently insufficient to determine the role of this variant in disease. Therefore, it has been classified as a Variant of Uncertain Significance.

Ambry Genetics
Classification: Uncertain significance. Last evaluated: 2024-09-30. Review status: criteria provided, single submitter. Criteria: Ambry Variant Classification Scheme 2023. Collection method: clinical testing. Allele origin: germline.

NM_005733.3(KIF20A):c.329A>G (p.Asn110Ser)

Gene: KIF20A (kinesin family member 20A; plus strand). Cytogenetic location: 5q31.2.
Variant type: single nucleotide variant.
Coding change: c.329A>G on transcript NM_005733.3 (MANE Select); coding-DNA position 329, A replaced by G.
Protein change: p.Asn110Ser; replaces asparagine 110 with serine.
Molecular consequence: missense variant.
Genome position (GRCh38, 1-based): chr5:138,181,682, A>G. VCF-style: chr5-138181682-A-G. GRCh37 (hg19) VCF-style: chr5-137517371-A-G.
Other names: c.329A>G (NM_005733.2); short protein forms N110S.
Identifiers: ClinVar variation 2712429 (VCV002712429.4), dbSNP rs377492009, ClinGen allele CA3426278.